The following is an entry in ClinVar:

NM_144670.6(A2ML1):c.1802T>C (p.Leu601Pro)

Gene: A2ML1 (alpha-2-macroglobulin like 1; plus strand). Cytogenetic location: 12p13.31.
Variant type: single nucleotide variant.
Coding change: c.1802T>C on transcript NM_144670.6 (MANE Select); coding-DNA position 1802, T replaced by C.
Protein change: p.Leu601Pro; replaces leucine 601 with proline.
Molecular consequence: missense variant.
Genome position (GRCh38, 1-based): chr12:8,847,667, T>C. VCF-style: chr12-8847667-T-C. GRCh37 (hg19) VCF-style: chr12-9000263-T-C.
Other names: c.329T>C, p.Leu110Pro (NM_001282424.3); c.1802T>C (NM_144670.3); short protein forms L601P, L110P.
Identifiers: ClinVar variation 946231 (VCV000946231.10), dbSNP rs773062742, ClinGen allele CA6435820.
Genomic context (GRCh38, chr12:8,847,667, plus strand): 5'-TGCAGGCAGCTCCCGGATCCCTGTGTGCGCTCCGGGCGGTGGATGAGAGTGTCTTACTGC[T>C]TAGGCCAGACAGAGAGCTGAGCAACCGCTCTGTGAGTAACTGTCTGCTGACAGAGTGGGA-3'
Protein context (NP_653271.3, residues 591-611): LRAVDESVLL[Leu601Pro]RPDRELSNRS

ClinVar aggregate classification (germline): Uncertain significance. Review status: criteria provided, multiple submitters, no conflicts (2 of 4 stars). 2 submissions from 2 submitters: Uncertain significance (2). Last evaluated 2024-12-15.

Allele frequency attached by ClinVar (database versions not stated): gnomAD exomes below 0.00001 and 0.00001; ExAC 0.00001; gnomAD 0.00002; TOPMed 0.00002.
gnomAD v4.1: 27 of 1,613,372 alleles (0.0017%); highest among the groups gnomAD compares: Non-Finnish European, 0.002%; no homozygotes.

Submissions (2):

Labcorp Genetics (formerly Invitae), Labcorp
Classification: Uncertain significance. Last evaluated: 2024-12-15. Review status: criteria provided, single submitter. Criteria: Invitae Variant Classification Sherloc (09022015). Collection method: clinical testing. Allele origin: germline.
Comment: This sequence change replaces leucine, which is neutral and non-polar, with proline, which is neutral and non-polar, at codon 601 of the A2ML1 protein (p.Leu601Pro). This variant is present in population databases (rs773062742, gnomAD 0.0009%). This variant has not been reported in the literature in individuals affected with A2ML1-related conditions. ClinVar contains an entry for this variant (Variation ID: 946231). An algorithm developed to predict the effect of missense changes on protein structure and function (PolyPhen-2) suggests that this variant is likely to be disruptive. In summary, the available evidence is currently insufficient to determine the role of this variant in disease. Therefore, it has been classified as a Variant of Uncertain Significance.

Ambry Genetics
Classification: Uncertain significance. Last evaluated: 2024-03-27. Review status: criteria provided, single submitter. Criteria: Ambry Variant Classification Scheme 2023. Collection method: clinical testing. Allele origin: germline.
Comment: The p.L601P variant (also known as c.1802T>C), located in coding exon 15 of the A2ML1 gene, results from a T to C substitution at nucleotide position 1802. The leucine at codon 601 is replaced by proline, an amino acid with similar properties. This amino acid position is conserved. In addition, this alteration is predicted to be deleterious by in silico analysis. Based on the available evidence, the clinical significance of this alteration remains unclear.